The following is an entry in ClinVar:

ClinVar aggregate classification (germline): Likely pathogenic (1 of 4 stars; one submission).

Submission:

ARUP Laboratories, Molecular Genetics and Genomics, ARUP Laboratories
Classification: Likely pathogenic. Last evaluated: 2021-01-12. Review status: criteria provided, single submitter. Criteria: ARUP Molecular Germline Variant Investigation Process 2021. Collection method: clinical testing. Allele origin: germline.
Comment: The TTN c.68149delA; p.Arg22717GlyfsTer10 variant, to our knowledge, is not reported in the medical literature or gene-specific databases. This variant is also absent from general population databases (Exome Variant Server, Genome Aggregation Database), indicating it is not a common polymorphism. This variant causes a frameshift in exon 321 by deleting a single nucleotide, so it is predicted to result in a truncated protein or mRNA subject to nonsense-mediated decay. Exon 321 is spliced into 100% of TTN transcripts and encodes a segment of the A-band, a critical region of the TTN protein that interacts with myosin and which is disproportionately enriched with truncating variants in individuals affected with dilated cardiomyopathy (Roberts 2015, Schafer 2017). Based on available information, the p.Arg22717GlyfsTer10 variant is considered to be likely pathogenic. References: Linke WA and Hamdani N. Gigantic business: titin properties and function through thick and thin. Circ Res 2014; 114(6): 1052-1068. Roberts AM et al. Integrated allelic, transcriptional, and phenomic dissection of the cardiac effects of titin truncations in health and disease. Sci Transl Med. 2015; 7(270): 270ra6. Schafer S et al. Titin-truncating variants affect heart function in disease cohorts and the general population. Nat Genet. 2017;49(1):46-53.

NM_001267550.2(TTN):c.68149del (p.Arg22717fs)

Genes: TTN (titin; minus strand), TTN-AS1 (TTN antisense RNA 1; plus strand), LOC126806423 (CDK7 strongly-dependent group 2 enhancer GRCh37_chr2:179443309-179444508; plus strand). Cytogenetic location: 2q31.2.
Variant type: Deletion.
Coding change: c.68149del on transcript NM_001267550.2 (MANE Select); coding-DNA position 68149, one base deleted (A; older notation c.68149delA).
Protein change: p.Arg22717fs; shifts the reading frame from arginine 22717.
Molecular consequence: frameshift variant.
Genome position (GRCh38, 1-based): chr2:178,578,881, T deleted on the plus strand (A on the coding strand, the reverse complement: TTN is on the minus strand). VCF-style (leftmost placement, unchanged base first): chr2-178578880-CT-C. GRCh37 (hg19) VCF-style: chr2-179443607-CT-C.
Other names: c.63226del, p.Arg21076fs (NM_001256850.1); c.40954del, p.Arg13652fs (NM_003319.4); c.60445del, p.Arg20149fs (NM_133378.4); c.41329del, p.Arg13777fs (NM_133432.3); c.41530del, p.Arg13844fs (NM_133437.4); short protein forms R13652fs, R13777fs, R13844fs, R20149fs, R21076fs, R22717fs.
Identifiers: ClinVar variation 993949 (VCV000993949.9), dbSNP rs2047058557, ClinGen allele CA1139657437.